The following is an entry in ClinVar:

ClinVar aggregate classification (germline): Uncertain significance (1 of 4 stars; one submission).

Conditions:
Spastic paraplegia. Identifiers: MedGen C0037772, HP:0001258.

Allele frequency attached by ClinVar (database versions not stated): TOPMed 0.00001.

Submission:

Labcorp Genetics (formerly Invitae), Labcorp
Classification: Uncertain significance for Spastic paraplegia. Last evaluated: 2023-09-13. Review status: criteria provided, single submitter. Criteria: Invitae Variant Classification Sherloc (09022015). Collection method: clinical testing. Allele origin: germline.
Comment: In summary, the available evidence is currently insufficient to determine the role of this variant in disease. Therefore, it has been classified as a Variant of Uncertain Significance. Advanced modeling of protein sequence and biophysical properties (such as structural, functional, and spatial information, amino acid conservation, physicochemical variation, residue mobility, and thermodynamic stability) performed at Invitae indicates that this missense variant is not expected to disrupt KDM5C protein function. This variant has not been reported in the literature in individuals affected with KDM5C-related conditions. This variant is not present in population databases (gnomAD no frequency). This sequence change replaces proline, which is neutral and non-polar, with serine, which is neutral and polar, at codon 1321 of the KDM5C protein (p.Pro1321Ser).

NM_004187.5(KDM5C):c.3961C>T (p.Pro1321Ser)

Gene: KDM5C (lysine demethylase 5C; minus strand). Cytogenetic location: Xp11.22.
Variant type: single nucleotide variant.
Coding change: c.3961C>T on transcript NM_004187.5 (MANE Select); coding-DNA position 3961, C replaced by T.
Protein change: p.Pro1321Ser; replaces proline 1321 with serine.
Molecular consequence: missense variant. On other transcripts: non-coding transcript variant (3).
Genome position (GRCh38, 1-based): chrX:53,194,216, G>A on the plus strand (C>T on the coding strand, the complement: KDM5C is on the minus strand). VCF-style: chrX-53194216-G-A. GRCh37 (hg19) VCF-style: chrX-53223398-G-A.
Other names: c.3760C>T, p.Pro1254Ser (NM_001146702.2); c.3958C>T, p.Pro1320Ser (NM_001282622.3, NM_001353979.2, NM_001353982.2); c.3961C>T, p.Pro1321Ser (NM_001353978.3, NM_001353981.2, NM_001353984.2); short protein forms P1254S, P1320S, P1321S.
Identifiers: ClinVar variation 2766715 (VCV002766715.3), dbSNP rs781820680, ClinGen allele CA413106162.